The following is an entry in ClinVar:

ClinVar aggregate classification (germline): Uncertain significance (1 of 4 stars; one submission).

Conditions:
Osteogenesis imperfecta type 8 (OI8). Identifiers: MedGen C1970458, MONDO:0012581, OMIM 610915.

Submission:

Labcorp Genetics (formerly Invitae), Labcorp
Classification: Uncertain significance for Osteogenesis imperfecta type 8. Last evaluated: 2021-03-25. Review status: criteria provided, single submitter. Criteria: Invitae Variant Classification Sherloc (09022015). Collection method: clinical testing. Allele origin: germline.
Comment: This variant is not present in population databases (ExAC no frequency). This variant has not been reported in the literature in individuals with P3H1-related conditions. Algorithms developed to predict the effect of missense changes on protein structure and function (SIFT, PolyPhen-2, Align-GVGD) all suggest that this variant is likely to be tolerated, but these predictions have not been confirmed by published functional studies and their clinical significance is uncertain. In summary, the available evidence is currently insufficient to determine the role of this variant in disease. Therefore, it has been classified as a Variant of Uncertain Significance. This sequence change replaces arginine with leucine at codon 554 of the P3H1 protein (p.Arg554Leu). The arginine residue is moderately conserved and there is a moderate physicochemical difference between arginine and leucine.

NM_022356.4(P3H1):c.1661G>T (p.Arg554Leu)

Gene: P3H1 (prolyl 3-hydroxylase 1; minus strand). Cytogenetic location: 1p34.2.
Variant type: single nucleotide variant.
Coding change: c.1661G>T on transcript NM_022356.4 (MANE Select); coding-DNA position 1661, G replaced by T.
Protein change: p.Arg554Leu; replaces arginine 554 with leucine.
Molecular consequence: missense variant.
Genome position (GRCh38, 1-based): chr1:42,750,245, C>A on the plus strand (G>T on the coding strand, the complement: P3H1 is on the minus strand). VCF-style: chr1-42750245-C-A. GRCh37 (hg19) VCF-style: chr1-43215916-C-A.
Other names: c.1661G>T, p.Arg554Leu (NM_001146289.2, NM_001243246.2); short protein forms R554L.
Identifiers: ClinVar variation 1402925 (VCV001402925.8), dbSNP rs376337637, ClinGen allele CA339954794.
Genomic context (GRCh38, chr1:42,750,245, plus strand): 5'-CCTTCGATGGCAGTGCGGCACACCAGATGAGAGTAGGAAAAGTAGAGGGGCGTATCCAGG[C>A]GGAAGTAGGACTCCATGATGCGCCGCACCTTCTCCGTCACGTTGTAGTACAGGTGGGCAC-3'
Protein context (NP_071751.3, residues 544-564): KVRRIMESYF[Arg554Leu]LDTPLYFSYS